The following is an entry in ClinVar:

ClinVar aggregate classification (germline): Conflicting classifications of pathogenicity. Review status: criteria provided, conflicting classifications (1 of 4 stars). 2 submissions from 2 submitters: Uncertain significance (1); Likely benign (1). Last evaluated 2024-12-18.

Conditions:
ABCA4-related disorder. Also called: ABCA4-related disorders; ABCA4-related condition. Identifiers: MedGen CN239167.

gnomAD v4.1: 112 of 152,286 alleles (0.074%); highest among the groups gnomAD compares: African/African-American, 0.26%; no homozygotes.

Submissions (2):

PreventionGenetics, part of Exact Sciences
Classification: Likely benign for ABCA4-related condition. Last evaluated: 2024-12-18. Review status: criteria provided, single submitter. Criteria: ACMG Guidelines, 2015. Collection method: clinical testing. Allele origin: germline.
Comment: This variant is classified as likely benign based on ACMG/AMP sequence variant interpretation guidelines (Richards et al. 2015 PMID: 25741868, with internal and published modifications).

Blueprint Genetics
Classification: Uncertain significance. Last evaluated: 2024-06-28. Review status: criteria provided, single submitter. Criteria: ACMG Guidelines, 2015. Collection method: clinical testing. Allele origin: germline.

NM_000350.3(ABCA4):c.4539+1735C>A

Gene: ABCA4 (ATP binding cassette subfamily A member 4; minus strand). Cytogenetic location: 1p22.1.
Variant type: single nucleotide variant.
Coding change: c.4539+1735C>A on transcript NM_000350.3 (MANE Select); 1735 bases into the intron after coding-DNA position 4539, C replaced by A.
Molecular consequence: intron variant.
Genome position (GRCh38, 1-based): chr1:94,027,710, G>T on the plus strand (C>A on the coding strand, the complement: ABCA4 is on the minus strand). VCF-style: chr1-94027710-G-T. GRCh37 (hg19) VCF-style: chr1-94493266-G-T.
Other names: c.4539+1735C>A (NM_000350.2); c.4317+1735C>A (NM_001425324.1).
Identifiers: ClinVar variation 4897860 (VCV004897860.2).
Genomic context (GRCh38, chr1:94,027,710, plus strand): 5'-ACCATTTATAAACCAGACTGTGATAGGTGCTGTGGCAAAATCTAGTTGCTCCCATTATTT[G>T]CTCCTCCCTGCTGCCTTAGCCATAGCCTTTTTTGTTGGGTTTGTAAGTGGAAGTACTATG-3'